The following is an entry in ClinVar:

NM_144997.7(FLCN):c.1059G>A (p.Arg353=)

Gene: FLCN (folliculin; minus strand). Cytogenetic location: 17p11.2.
Variant type: single nucleotide variant.
Coding change: c.1059G>A on transcript NM_144997.7 (MANE Select); coding-DNA position 1059, G replaced by A.
Protein change: p.Arg353=; no amino-acid change (arginine 353 retained).
Molecular consequence: synonymous variant.
Genome position (GRCh38, 1-based): chr17:17,219,022, C>T on the plus strand (G>A on the coding strand, the complement: FLCN is on the minus strand). VCF-style: chr17-17219022-C-T. GRCh37 (hg19) VCF-style: chr17-17122336-C-T.
Other names: c.1059G>A (LRG_325t1); c.1113G>A, p.Arg371= (NM_001353229.2); c.1059G>A, p.Arg353= (NM_001353230.2, NM_001353231.2).
Identifiers: ClinVar variation 186648 (VCV000186648.25), dbSNP rs751513488, ClinGen allele CA195435.

ClinVar aggregate classification (germline): Benign/Likely benign. Review status: criteria provided, multiple submitters, no conflicts (2 of 4 stars). 7 submissions from 7 submitters: Benign (1); Likely benign (6). Last evaluated 2026-07-30.

Conditions:
FLCN-related disorder. Also called: FLCN-related condition.
Birt-Hogg-Dube syndrome 1 (BHD1). Also called: FIBROFOLLICULOMAS WITH TRICHODISCOMAS AND ACROCHORDONS. Identifiers: Orphanet 122, MedGen CN375946, MONDO:0800445, OMIM 135150.
Hereditary cancer-predisposing syndrome. Also called: Neoplastic Syndromes, Hereditary; Tumor predisposition; Hereditary neoplastic syndrome; Hereditary Cancer Syndrome. Identifiers: Orphanet 140162, MedGen C0027672, MeSH D009386, MONDO:0015356.
Birt-Hogg-Dube syndrome. Also called: Birt Hogg Dubé syndrome. Identifiers: Orphanet 122, MedGen C0346010, MONDO:0800444.

Allele frequency attached by ClinVar (database versions not stated): gnomAD 0.00001; TOPMed 0.00004; gnomAD exomes 0.00006 and 0.00010; ExAC 0.00020.
gnomAD v4.1: 37 of 1,613,428 alleles (0.0023%); highest among the groups gnomAD compares: Non-Finnish European, 0.0029%; no homozygotes.

Submissions (7):

PreventionGenetics, part of Exact Sciences
Classification: Likely benign for FLCN-related condition. Last evaluated: 2026-07-30. Review status: criteria provided, single submitter. Criteria: ACMG Guidelines, 2015. Collection method: clinical testing. Allele origin: germline.
Comment: This variant is classified as likely benign based on ACMG/AMP sequence variant interpretation guidelines (Richards et al. 2015 PMID: 25741868, with internal and published modifications).

Labcorp Genetics (formerly Invitae), Labcorp
Classification: Likely benign for Birt-Hogg-Dube syndrome. Last evaluated: 2026-01-13. Review status: criteria provided, single submitter. Criteria: Invitae Variant Classification Sherloc (09022015). Collection method: clinical testing. Allele origin: germline.

Center for Genomic Medicine, Rigshospitalet, Copenhagen University Hospital
Classification: Likely benign. Last evaluated: 2025-03-04. Review status: criteria provided, single submitter. Criteria: ACMG Guidelines, 2015. Collection method: clinical testing. Allele origin: germline.

Myriad Genetics, Inc.
Classification: Benign for Birt-Hogg-Dube syndrome 1. Last evaluated: 2024-10-23. Review status: criteria provided, single submitter. Criteria: Myriad Autosomal Dominant, Autosomal Recessive and X-Linked Classification Criteria (2023). Collection method: clinical testing. Allele origin: unknown.
Comment: This variant is considered benign. This variant is a silent/synonymous amino acid change and it is not expected to impact splicing.

Sema4
Classification: Likely benign for Hereditary cancer-predisposing syndrome. Last evaluated: 2021-11-16. Review status: criteria provided, single submitter. Criteria: Sema4 Curation Guidelines. Collection method: curation. Allele origin: germline.

GeneDx
Classification: Likely benign. Last evaluated: 2018-08-17. Review status: criteria provided, single submitter. Criteria: GeneDx Variant Classification Process June 2021. Collection method: clinical testing. Allele origin: germline. Affected: yes.

Ambry Genetics
Classification: Likely benign for Hereditary cancer-predisposing syndrome. Last evaluated: 2014-10-13. Review status: criteria provided, single submitter. Criteria: Ambry Variant Classification Scheme 2023. Collection method: clinical testing. Allele origin: germline.